The following is an entry in ClinVar:

ClinVar aggregate classification (germline): Uncertain significance (1 of 4 stars; one submission).

Submission:

GeneDx
Classification: Uncertain significance. Last evaluated: 2024-02-29. Review status: criteria provided, single submitter. Criteria: GeneDx Variant Classification Process June 2021. Collection method: clinical testing. Allele origin: germline. Affected: yes.
Comment: Not observed at significant frequency in large population cohorts (gnomAD); In silico analysis supports that this missense variant has a deleterious effect on protein structure/function; Has not been previously published as pathogenic or benign to our knowledge

NM_001191061.2(SLC25A22):c.600C>G (p.Phe200Leu)

Gene: SLC25A22 (solute carrier family 25 member 22; minus strand). Cytogenetic location: 11p15.5.
Variant type: single nucleotide variant.
Coding change: c.600C>G on transcript NM_001191061.2 (MANE Select); coding-DNA position 600, C replaced by G.
Protein change: p.Phe200Leu; replaces phenylalanine 200 with leucine.
Molecular consequence: missense variant.
Genome position (GRCh38, 1-based): chr11:792,446, G>C on the plus strand (C>G on the coding strand, the complement: SLC25A22 is on the minus strand). VCF-style: chr11-792446-G-C. GRCh37 (hg19) VCF-style: chr11-792446-G-C.
Other names: c.600C>G, p.Phe200Leu (NM_001191060.2, NM_001425337.1, NM_001425338.1 and 4 more transcripts); c.675C>G, p.Phe225Leu (NM_001425334.1); c.639C>G, p.Phe213Leu (NM_001425335.1); c.615C>G, p.Phe205Leu (NM_001425336.1); c.597C>G, p.Phe199Leu (NM_001425340.1); c.588C>G, p.Phe196Leu (NM_001425341.1); c.282C>G, p.Phe94Leu (NM_001425344.1); short protein forms F196L, F199L, F200L, F205L, F213L, F225L, F94L.
Identifiers: ClinVar variation 3369896 (VCV003369896.1).